The following is an entry in ClinVar:

NM_024301.5(FKRP):c.741G>A (p.Pro247=)

Gene: FKRP (fukutin related protein; plus strand). Cytogenetic location: 19q13.32.
Variant type: single nucleotide variant.
Coding change: c.741G>A on transcript NM_024301.5 (MANE Select); coding-DNA position 741, G replaced by A.
Protein change: p.Pro247=; no amino-acid change (proline 247 retained).
Molecular consequence: synonymous variant.
Genome position (GRCh38, 1-based): chr19:46,756,191, G>A. VCF-style: chr19-46756191-G-A. GRCh37 (hg19) VCF-style: chr19-47259448-G-A.
Other names: c.741G>A, p.Pro247= (NM_001039885.3).
Identifiers: ClinVar variation 514671 (VCV000514671.10), dbSNP rs1488332243, ClinGen allele CA507975968.

ClinVar aggregate classification (germline): Likely benign. Review status: criteria provided, multiple submitters, no conflicts (2 of 4 stars). 3 submissions from 3 submitters: Likely benign (3). Last evaluated 2026-01-07.

Conditions:
FKRP-related disorder. Also called: FKRP-related condition.
Walker-Warburg congenital muscular dystrophy. Also called: Muscular dystrophy-dystroglycanopathy, type A; Walker-Warburg syndrome. Identifiers: Orphanet 899, MedGen C0265221, MONDO:0000171.

Allele frequency attached by ClinVar (database versions not stated): gnomAD 0.00001; TOPMed 0.00001.

Submissions (3):

PreventionGenetics, part of Exact Sciences
Classification: Likely benign for FKRP-related condition. Last evaluated: 2026-01-07. Review status: criteria provided, single submitter. Criteria: ACMG Guidelines, 2015. Collection method: clinical testing. Allele origin: germline.
Comment: This variant is classified as likely benign based on ACMG/AMP sequence variant interpretation guidelines (Richards et al. 2015 PMID: 25741868, with internal and published modifications).

Labcorp Genetics (formerly Invitae), Labcorp
Classification: Likely benign for Walker-Warburg congenital muscular dystrophy. Last evaluated: 2024-08-06. Review status: criteria provided, single submitter. Criteria: Invitae Variant Classification Sherloc (09022015). Collection method: clinical testing. Allele origin: germline.

GeneDx
Classification: Likely benign. Last evaluated: 2018-01-11. Review status: criteria provided, single submitter. Criteria: GeneDx Variant Classification (06012015). Collection method: clinical testing. Allele origin: germline. Affected: yes.
Comment: This variant is considered likely benign or benign based on one or more of the following criteria: it is a conservative change, it occurs at a poorly conserved position in the protein, it is predicted to be benign by multiple in silico algorithms, and/or has population frequency not consistent with disease.